The following is an entry in ClinVar:

NM_000199.5(SGSH):c.344G>C (p.Gly115Ala)

Gene: SGSH (N-sulfoglucosamine sulfohydrolase; minus strand). Cytogenetic location: 17q25.3.
Variant type: single nucleotide variant.
Coding change: c.344G>C on transcript NM_000199.5 (MANE Select); coding-DNA position 344, G replaced by C.
Protein change: p.Gly115Ala; replaces glycine 115 with alanine.
Molecular consequence: missense variant.
Genome position (GRCh38, 1-based): chr17:80,215,044, C>G on the plus strand (G>C on the coding strand, the complement: SGSH is on the minus strand). VCF-style: chr17-80215044-C-G. GRCh37 (hg19) VCF-style: chr17-78188843-C-G.
Other names: c.344G>C, p.Gly115Ala (NM_001352921.3, NM_001352922.2); short protein forms G115A.
Identifiers: ClinVar variation 1518278 (VCV001518278.5), dbSNP rs770321343, ClinGen allele CA401363593.
Genomic context (GRCh38, chr17:80,215,044, plus strand): 5'-TGGCCTCTGTGCCTCACCCCACGCCCTGTCCTCGGCACGGGGTCCTCACCTGTGCGCACA[C>G]CAGCTTGGCTGAGCAGCAGCGGCAGGCTCCGCACCTTGTCGAAGGAGTTGAAGTGGTGCA-3'
Protein context (NP_000190.1, residues 105-125): RSLPLLLSQA[Gly115Ala]VRTGIIGKKH

ClinVar aggregate classification (germline): Uncertain significance (1 of 4 stars; one submission).

Conditions:
Mucopolysaccharidosis, MPS-III-A (MPS3A). Also called: HEPARAN SULFATE SULFATASE DEFICIENCY; SANFILIPPO SYNDROME A; SULFAMIDASE DEFICIENCY; MPS III A; MPS IIIA (Sanfilippo Syndrome Type A); Mucopolysaccharidosis type IIIA (Sanfilippo A). Identifiers: Orphanet 581, Orphanet 79269, MedGen C0086647, MONDO:0009655, OMIM 252900.

Submission:

Labcorp Genetics (formerly Invitae), Labcorp
Classification: Uncertain significance for Mucopolysaccharidosis, MPS-III-A. Last evaluated: 2021-08-26. Review status: criteria provided, single submitter. Criteria: Invitae Variant Classification Sherloc (09022015). Collection method: clinical testing. Allele origin: germline.
Comment: This sequence change replaces glycine with alanine at codon 115 of the SGSH protein (p.Gly115Ala). The glycine residue is moderately conserved and there is a small physicochemical difference between glycine and alanine. This variant is not present in population databases (ExAC no frequency). This variant has not been reported in the literature in individuals affected with SGSH-related conditions. Advanced modeling of protein sequence and biophysical properties (such as structural, functional, and spatial information, amino acid conservation, physicochemical variation, residue mobility, and thermodynamic stability) performed at Invitae indicates that this missense variant is expected to disrupt SGSH protein function. In summary, the available evidence is currently insufficient to determine the role of this variant in disease. Therefore, it has been classified as a Variant of Uncertain Significance.